The following is an entry in ClinVar:

NM_001374353.1(GLI2):c.162_163del (p.Leu55fs)

Gene: GLI2 (GLI family zinc finger 2; plus strand). Cytogenetic location: 2q14.2.
Variant type: Microsatellite.
Coding change: c.162_163del on transcript NM_001374353.1 (MANE Select); coding-DNA positions 162 to 163, 2 bases deleted (CT; older notation c.162_163delCT).
Protein change: p.Leu55fs; shifts the reading frame from leucine 55.
Molecular consequence: frameshift variant. On other transcripts: intron variant (1).
Genome position (GRCh38, 1-based): chr2:120,927,374-120,927,375, CT deleted; deleting any 2 consecutive bases within chr2:120,927,371-120,927,375 gives the same sequence; the c. name uses the placement nearest the transcript's 3' end. VCF-style (leftmost placement, unchanged base first): chr2-120927370-ATC-A. GRCh37 (hg19) VCF-style: chr2-121684946-ATC-A.
Other names: c.162_163del, p.Leu55fs (NM_001371271.1, NM_005270.5); c.-121-23869_-121-23868del (NM_001374354.1); c.162_163delCT (NM_005270.4); short protein forms L55fs.
Identifiers: ClinVar variation 817375 (VCV000817375.6), dbSNP rs778975466, ClinGen allele CA1851439.

ClinVar aggregate classification (germline): Pathogenic/Likely pathogenic. Review status: criteria provided, multiple submitters, no conflicts (2 of 4 stars). 4 submissions from 4 submitters: Pathogenic (1); Likely pathogenic (3). Last evaluated 2026-01-14.

Conditions:
Holoprosencephaly 9 (HPE9). Also called: PITUITARY ANOMALIES WITH HOLOPROSENCEPHALY-LIKE FEATURES; HOLOPROSENCEPHALY WITH MICROPHTHALMIA AND FIRST BRANCHIAL ARCH ANOMALIES. Identifiers: Orphanet 2162, MedGen C1835819, MONDO:0012563, OMIM 610829.
Postaxial polydactyly-anterior pituitary anomalies-facial dysmorphism syndrome. Also called: Culler-Jones syndrome. Identifiers: Orphanet 420584, MedGen C4014479, MONDO:0014369, OMIM 615849.
Autosomal dominant GLI2-related disorders.

Submissions (4):

Variantyx, Inc.
Classification: Likely pathogenic for Autosomal dominant GLI2-related disorders. Last evaluated: 2026-01-14. Review status: criteria provided, single submitter. Criteria: Variantyx Assertion Criteria 2022. Collection method: clinical testing. Allele origin: germline. Inheritance: Autosomal dominant inheritance. Affected: yes.
Comment: This is a frameshift variant in the GLI2 gene (OMIM: 165230). Pathogenic variants in this gene have been associated with autosomal dominant GLI2-related disorders. This variant introduces a premature termination codon in exon 3 out of 14 and is expected to result in loss of function, which is a known disease mechanism for GLI2 in this disorder (PMID: 14581620) (PVS1). This variant has a 0.0045% maximum allele frequency in non-founder control populations (PM2). Based on the current evidence, this variant is classified as likely pathogenic for autosomal dominant GLI2-related disorders.

Genesolutions, Medical Genetics Institutes, Ho Chi Minh City, Vietnam
Classification: Pathogenic for Postaxial polydactyly-anterior pituitary anomalies-facial dysmorphism syndrome. Last evaluated: 2025-09-24. Review status: criteria provided, single submitter. Criteria: ACMG Guidelines, 2015. Collection method: clinical testing. Allele origin: germline. Affected: yes.

Fulgent Genetics
Classification: Likely pathogenic for Holoprosencephaly 9; Postaxial polydactyly-anterior pituitary anomalies-facial dysmorphism syndrome. Last evaluated: 2022-02-02. Review status: criteria provided, single submitter. Criteria: ACMG Guidelines, 2015. Collection method: clinical testing. Allele origin: unknown.

GeneDx
Classification: Likely pathogenic. Last evaluated: 2019-01-10. Review status: criteria provided, single submitter. Criteria: GeneDx Variant Classification (06012015). Collection method: clinical testing. Allele origin: germline. Affected: yes.
Comment: The c.162_163delCT variant in the GLI2 gene has not been reported previously as a pathogenic variant nor as a benign variant, to our knowledge. The c.162_163delCT variant causes a frameshift starting with codon Leucine 55, changes this amino acid to an Alanine residue, and creates a premature Stop codon at position 10 of the new reading frame, denoted p.Leu55AlafsX10. This variant is predicted to cause loss of normal protein function either through protein truncation or nonsense-mediated mRNA decay. The c.162_163delCT variant is observed in 3/17248 (0.017%) alleles from individuals of East Asian background, in large population cohorts (Lek et al., 2016). We interpret c.162_163delCT as a likely pathogenic variant.

Literature cited by the submitters: PubMed 14581620 (cited by Variantyx, Inc.).